The following is an entry in ClinVar:

ClinVar aggregate classification (germline): Likely benign (0 of 4 stars; one submission).

Conditions:
CTNND2-related disorder. Also called: CTNND2-related condition.

gnomAD v4.1: 4 of 1,614,054 alleles (0.00025%); highest among the groups gnomAD compares: East Asian, 0.0089%; no homozygotes.

Submission:

PreventionGenetics, part of Exact Sciences
Classification: Likely benign for CTNND2-related condition. Last evaluated: 2022-07-28. Review status: no assertion criteria provided. Collection method: clinical testing. Allele origin: germline.
Comment: This variant is classified as likely benign based on ACMG/AMP sequence variant interpretation guidelines (Richards et al. 2015 PMID: 25741868, with internal and published modifications).

NM_001332.4(CTNND2):c.3343+8C>T

Gene: CTNND2 (catenin delta 2; minus strand). Cytogenetic location: 5p15.2.
Variant type: single nucleotide variant.
Coding change: c.3343+8C>T on transcript NM_001332.4 (MANE Select); 8 bases into the intron after coding-DNA position 3343, C replaced by T.
Molecular consequence: intron variant.
Genome position (GRCh38, 1-based): chr5:10,988,103, G>A on the plus strand (C>T on the coding strand, the complement: CTNND2 is on the minus strand). VCF-style: chr5-10988103-G-A. GRCh37 (hg19) VCF-style: chr5-10988215-G-A.
Other names: c.2044+8C>T (NM_001288717.2); c.2407+8C>T (NM_001364128.2); c.2332+8C>T (NM_001288716.1); c.3070+8C>T (NM_001288715.1).
Identifiers: ClinVar variation 3054521 (VCV003054521.2), dbSNP rs751623383, ClinGen allele CA3200338.